The following is an entry in ClinVar:

ClinVar aggregate classification (germline): Pathogenic (1 of 4 stars; one submission).

Conditions:
CASK-related disorder. Also called: CASK-related disorders; CASK-related condition.

Submission:

Molecular Genetics Laboratory, Motol Hospital
Classification: Pathogenic for CASK-related disorder. Last evaluated: 2025-09-26. Review status: criteria provided, single submitter. Criteria: ACMG Guidelines, 2015. Collection method: clinical testing. Allele origin: de novo. Affected: yes. Observed: 1 variant allele.
Comment: Not present in gnomAD (v4.1.0), dbSNP or ClinVar (PM2). Rare (truncating) variants affecting the CASK gene are associated with X-linked dominant and recessive disorders (FG syndrome 4; intellectual developmental disorder and microcephaly with pontine and cerebellar hypoplasia; intellectual developmental disorder with or without nystagmus) (PMID:19165920;PMID:21954287;PMID:32929080) (PP2) (PVS1). The variant alters the canonical splice donor site and in silico prediction tools SpliceAI and Human Splicing Finder predict the deleterious effect on the gene and pre-mRNA splicing, respectively. The adjacent variant c.708+1G>A is classified as pathogenic (ClinVar Variation ID: 158082). To conclude, the variant c.708+2T>G is classified as pathogenic (ACMG PM2, PP3, PP2, PS2).

Literature cited by the submitters: PubMed 19165920; PubMed 21954287; PubMed 32929080.

NM_001367721.1(CASK):c.708+2T>G

Gene: CASK (calcium/calmodulin dependent serine protein kinase; minus strand). Cytogenetic location: Xp11.4.
Variant type: single nucleotide variant.
Coding change: c.708+2T>G on transcript NM_001367721.1 (MANE Select); the canonical splice donor site of the intron after coding-DNA position 708, T replaced by G.
Molecular consequence: splice donor variant.
Genome position (GRCh38, 1-based): chrX:41,665,275, A>C on the plus strand (T>G on the coding strand, the complement: CASK is on the minus strand). VCF-style: chrX-41665275-A-C. GRCh37 (hg19) VCF-style: chrX-41524528-A-C.
Other names: c.708+2T>G (NM_001126055.3, NM_001410745.1, NM_001126054.3 and 1 more transcripts).
Identifiers: ClinVar variation 4087720 (VCV004087720.1).
Genomic context (GRCh38, chrX:41,665,275, plus strand): 5'-AAAAAACATTTTTCAGGATAAATTAATCTCAATGGAAAAAGAAAATGTTCATGATGCATT[A>C]CCTTATATTTTCCTTTAATAATGCCTTCAAACAATCTTTCCTTGGTTCCGTAAAAAGGCA-3'